The following is an entry in ClinVar:

ClinVar aggregate classification (germline): Likely pathogenic (1 of 4 stars; one submission).

Conditions:
PRPH2-related disorder. Also called: PRPH2-related condition; PRPH2-related disorders. Identifiers: MedGen CN239395.

Submission:

Labcorp Genetics (formerly Invitae), Labcorp
Classification: Likely pathogenic for PRPH2-related disorder. Last evaluated: 2022-04-17. Review status: criteria provided, single submitter. Criteria: Invitae Variant Classification Sherloc (09022015). Collection method: clinical testing. Allele origin: germline.
Comment: This sequence change replaces glycine, which is neutral and non-polar, with valine, which is neutral and non-polar, at codon 167 of the PRPH2 protein (p.Gly167Val). This variant is not present in population databases (gnomAD no frequency). This variant has not been reported in the literature in individuals affected with PRPH2-related conditions. Advanced modeling of protein sequence and biophysical properties (such as structural, functional, and spatial information, amino acid conservation, physicochemical variation, residue mobility, and thermodynamic stability) performed at Invitae indicates that this missense variant is expected to disrupt PRPH2 protein function. This variant disrupts the p.Gly167 amino acid residue in PRPH2. Other variant(s) that disrupt this residue have been determined to be pathogenic (PMID: 16024869, 23591405, 25324289, 28559085). This suggests that this residue is clinically significant, and that variants that disrupt this residue are likely to be disease-causing. In summary, the currently available evidence indicates that the variant is pathogenic, but additional data are needed to prove that conclusively. Therefore, this variant has been classified as Likely Pathogenic.

Literature cited by the submitters: PubMed 16024869; PubMed 23591405; PubMed 25324289; PubMed 28559085.

NM_000322.5(PRPH2):c.500G>T (p.Gly167Val)

Gene: PRPH2 (peripherin 2; minus strand). Cytogenetic location: 6p21.1.
Variant type: single nucleotide variant.
Coding change: c.500G>T on transcript NM_000322.5 (MANE Select); coding-DNA position 500, G replaced by T.
Protein change: p.Gly167Val; replaces glycine 167 with valine.
Molecular consequence: missense variant.
Genome position (GRCh38, 1-based): chr6:42,721,835, C>A on the plus strand (G>T on the coding strand, the complement: PRPH2 is on the minus strand). VCF-style: chr6-42721835-C-A. GRCh37 (hg19) VCF-style: chr6-42689573-C-A.
Other names: short protein forms G167V.
Identifiers: ClinVar variation 2127369 (VCV002127369.4), dbSNP rs61755789, ClinGen allele CA364137417.
Genomic context (GRCh38, chr6:42,721,835, plus strand): 5'-AAGTCCAGGTAGCGATTGCTGATCCACTGAATCTCAAACCAGTCCCGAAAACCGTTGTTG[C>A]CGCAGCATTTGAACTCGATCTGCAGCATGTCGATGGTCTTCTTCATGAAACACCTGCCAG-3'
Protein context (NP_000313.2, residues 157-177): DMLQIEFKCC[Gly167Val]NNGFRDWFEI